The following is an entry in ClinVar:

ClinVar aggregate classification (germline): Uncertain significance (1 of 4 stars; one submission).

Conditions:
Cardiovascular phenotype. Identifiers: MedGen CN230736.

gnomAD v4.1: 4 of 1,427,892 alleles (0.00028%); highest among the groups gnomAD compares: Non-Finnish European, 0.00028%; no homozygotes.

Submission:

Ambry Genetics
Classification: Uncertain significance for Cardiovascular phenotype. Last evaluated: 2025-09-12. Review status: criteria provided, single submitter. Criteria: Ambry Variant Classification Scheme 2023. Collection method: clinical testing. Allele origin: germline.
Comment: The p.A1045T variant (also known as c.3133G>A), located in coding exon 8 of the HCN4 gene, results from a G to A substitution at nucleotide position 3133. The alanine at codon 1045 is replaced by threonine, an amino acid with similar properties. This amino acid position is conserved. In addition, the in silico prediction for this alteration is inconclusive. Based on the available evidence, the clinical significance of this variant remains unclear.

NM_005477.3(HCN4):c.3133G>A (p.Ala1045Thr)

Gene: HCN4 (hyperpolarization activated cyclic nucleotide gated potassium channel 4; minus strand). Cytogenetic location: 15q24.1.
Variant type: single nucleotide variant.
Coding change: c.3133G>A on transcript NM_005477.3 (MANE Select); coding-DNA position 3133, G replaced by A.
Protein change: p.Ala1045Thr; replaces alanine 1045 with threonine.
Molecular consequence: missense variant.
Genome position (GRCh38, 1-based): chr15:73,322,960, C>T on the plus strand (G>A on the coding strand, the complement: HCN4 is on the minus strand). VCF-style: chr15-73322960-C-T. GRCh37 (hg19) VCF-style: chr15-73615301-C-T.
Other names: short protein forms A1045T.
Identifiers: ClinVar variation 4269237 (VCV004269237.1).